The following is an entry in ClinVar:

NM_001761.3(CCNF):c.1362C>T (p.Ala454=)

Gene: CCNF (cyclin F; plus strand). Cytogenetic location: 16p13.3.
Variant type: single nucleotide variant.
Coding change: c.1362C>T on transcript NM_001761.3 (MANE Select); coding-DNA position 1362, C replaced by T.
Protein change: p.Ala454=; no amino-acid change (alanine 454 retained).
Molecular consequence: synonymous variant.
Genome position (GRCh38, 1-based): chr16:2,449,425, C>T. VCF-style: chr16-2449425-C-T. GRCh37 (hg19) VCF-style: chr16-2499426-C-T.
Other names: c.438C>T, p.Ala146= (NM_001323538.2).
Identifiers: ClinVar variation 2646059 (VCV002646059.24), dbSNP rs373935407, ClinGen allele CA7842500.

ClinVar aggregate classification (germline): Likely benign (1 of 4 stars; one submission).

Allele frequency attached by ClinVar (database versions not stated): gnomAD 0.00002; TOPMed 0.00003; ESP Exome Variant Server 0.00008.
gnomAD v4.1: 15 of 1,609,080 alleles (0.00093%); highest among the groups gnomAD compares: Admixed American, 0.005%; no homozygotes.

Submission:

CeGaT Center for Human Genetics Tuebingen
Classification: Likely benign. Last evaluated: 2022-12-01. Review status: criteria provided, single submitter. Criteria: CeGaT Center For Human Genetics Tuebingen Variant Classification Criteria Version 2. Collection method: clinical testing. Allele origin: germline. Affected: yes. Observed: 1 variant allele.
Comment: CCNF: BP4, BP7